The following is an entry in ClinVar:

ClinVar aggregate classification (germline): Likely pathogenic (1 of 4 stars; one submission).

Conditions:
Familial cancer of breast. Also called: hereditary breast carcinoma; BREAST CANCER, FAMILIAL; Hereditary breast cancer. Identifiers: Orphanet 227535, MedGen C0346153, MONDO:0016419, OMIM 114480. Disease mechanism: loss of function.
Fanconi anemia complementation group J. Also called: BRIP1-Related Fanconi Anemia. Identifiers: Orphanet 84, MedGen C1836860, MONDO:0012187, OMIM 609054.

Submission:

Labcorp Genetics (formerly Invitae), Labcorp
Classification: Likely pathogenic for Familial cancer of breast; Fanconi anemia complementation group J. Last evaluated: 2022-10-08. Review status: criteria provided, single submitter. Criteria: Invitae Variant Classification Sherloc (09022015). Collection method: clinical testing. Allele origin: germline.
Comment: This variant results in a copy number gain of the genomic region encompassing exon(s) 7-10 of the BRIP1 gene. While the exact position of this variant cannot be determined from the data, sub-genic copy number gains are generally in tandem (PMID: 25640679). This variant is predicted to be in-frame, and likely preserves the integrity of the reading frame. A similar copy number variant has been observed in individual(s) with breast cancer and ovarian cancer (Invitae). It has also been observed to segregate with disease in related individuals. Experimental studies and prediction algorithms are not available or were not evaluated, and the functional significance of this variant is currently unknown. This variant disrupts the conserved ATPase-Helicase domain, including the iron-sulfur (Fe-S) cluster of the BRIP1 protein, which is important for DNA helicase activity of BRIP1 (PMID: 11301010, 21345144, 33619228). While functional studies have not been performed to directly test the effect of this variant on BRIP1 protein function, this suggests that disruption of this region of the protein is causative of disease. In summary, the currently available evidence indicates that the variant is pathogenic, but additional data are needed to prove that conclusively. Therefore, this variant has been classified as Likely Pathogenic.

Literature cited by the submitters: PubMed 25640679; PubMed 11301010; PubMed 21345144; PubMed 33619228.

NC_000017.10:g.(?_59870948)_(59886128_?)dup

Gene: BRIP1 (BRCA1 interacting DNA helicase 1; minus strand). Cytogenetic location: 17q23.2.
Variant type: Duplication.
Identifiers: ClinVar variation 583539 (VCV000583539.6).